The following is an entry in ClinVar:

NM_003183.6(ADAM17):c.231-3C>T

Gene: ADAM17 (ADAM metallopeptidase domain 17; minus strand). Cytogenetic location: 2p25.1.
Variant type: single nucleotide variant.
Coding change: c.231-3C>T on transcript NM_003183.6 (MANE Select); 3 bases into the intron before coding-DNA position 231, C replaced by T.
Molecular consequence: intron variant.
Genome position (GRCh38, 1-based): chr2:9,536,831, G>A on the plus strand (C>T on the coding strand, the complement: ADAM17 is on the minus strand). VCF-style: chr2-9536831-G-A. GRCh37 (hg19) VCF-style: chr2-9676960-G-A.
Other names: c.-450-3C>T (NM_001382777.1); c.-692-3C>T (NM_001382778.1).
Identifiers: ClinVar variation 1376181 (VCV001376181.3), dbSNP rs1394369977, ClinGen allele CA530515397.

ClinVar aggregate classification (germline): Uncertain significance (1 of 4 stars; one submission).

Conditions:
Inflammatory skin and bowel disease, neonatal, 1. Identifiers: Orphanet 294023, MedGen C3280501, MONDO:0013693, OMIM 614328.

Allele frequency attached by ClinVar (database versions not stated): gnomAD exomes 0.00001.
gnomAD v4.1: 3 of 1,612,754 alleles (0.00019%); highest among the groups gnomAD compares: Admixed American, 0.005%; no homozygotes.

Submission:

Labcorp Genetics (formerly Invitae), Labcorp
Classification: Uncertain significance for Inflammatory skin and bowel disease, neonatal, 1. Last evaluated: 2022-09-27. Review status: criteria provided, single submitter. Criteria: Invitae Variant Classification Sherloc (09022015). Collection method: clinical testing. Allele origin: germline.
Comment: This sequence change falls in intron 2 of the ADAM17 gene. It does not directly change the encoded amino acid sequence of the ADAM17 protein. It affects a nucleotide within the consensus splice site. This variant is present in population databases (no rsID available, gnomAD 0.006%). This variant has not been reported in the literature in individuals affected with ADAM17-related conditions. ClinVar contains an entry for this variant (Variation ID: 1376181). Variants that disrupt the consensus splice site are a relatively common cause of aberrant splicing (PMID: 17576681, 9536098). Algorithms developed to predict the effect of sequence changes on RNA splicing suggest that this variant is not likely to affect RNA splicing. In summary, the available evidence is currently insufficient to determine the role of this variant in disease. Therefore, it has been classified as a Variant of Uncertain Significance.

Literature cited by the submitters: PubMed 17576681; PubMed 9536098.